The following is an entry in ClinVar:

ClinVar aggregate classification (germline): Uncertain significance (1 of 4 stars; one submission).

Conditions:
Dyskeratosis congenita. Identifiers: Orphanet 1775, MedGen C0265965, MONDO:0015780.

Submission:

Ambry Genetics
Classification: Uncertain significance for Dyskeratosis congenita. Last evaluated: 2023-11-16. Review status: criteria provided, single submitter. Criteria: Ambry Variant Classification Scheme 2023. Collection method: clinical testing. Allele origin: germline.
Comment: The p.R1086L variant (also known as c.3257G>T), located in coding exon 15 of the TERT gene, results from a G to T substitution at nucleotide position 3257. The arginine at codon 1086 is replaced by leucine, an amino acid with dissimilar properties. This amino acid position is conserved. In addition, the in silico prediction for this alteration is inconclusive. Since supporting evidence is limited at this time, the clinical significance of this alteration remains unclear.

NM_198253.3(TERT):c.3257G>T (p.Arg1086Leu)

Gene: TERT (telomerase reverse transcriptase; minus strand). Cytogenetic location: 5p15.33.
Variant type: single nucleotide variant.
Coding change: c.3257G>T on transcript NM_198253.3 (MANE Select); coding-DNA position 3257, G replaced by T.
Protein change: p.Arg1086Leu; replaces arginine 1086 with leucine.
Molecular consequence: missense variant. On other transcripts: non-coding transcript variant (2).
Genome position (GRCh38, 1-based): chr5:1,254,406, C>A on the plus strand (G>T on the coding strand, the complement: TERT is on the minus strand). VCF-style: chr5-1254406-C-A. GRCh37 (hg19) VCF-style: chr5-1254521-C-A.
Other names: c.3068G>T, p.Arg1023Leu (NM_001193376.3); c.3257G>T, p.Arg1086Leu (NM_003219.1); short protein forms R1023L, R1086L.
Identifiers: ClinVar variation 3238603 (VCV003238603.1), dbSNP rs200288187.